The following is an entry in ClinVar:

NM_000179.3(MSH6):c.2787C>G (p.Pro929=)

Gene: MSH6 (mutS homolog 6; plus strand). Cytogenetic location: 2p16.3.
Variant type: single nucleotide variant.
Coding change: c.2787C>G on transcript NM_000179.3 (MANE Select); coding-DNA position 2787, C replaced by G.
Protein change: p.Pro929=; no amino-acid change (proline 929 retained).
Molecular consequence: synonymous variant.
Genome position (GRCh38, 1-based): chr2:47,800,770, C>G. VCF-style: chr2-47800770-C-G. GRCh37 (hg19) VCF-style: chr2-48027909-C-G.
Other names: c.2397C>G, p.Pro799= (NM_001281492.2); c.1881C>G, p.Pro627= (NM_001281493.2, NM_001281494.2).
Identifiers: ClinVar variation 388899 (VCV000388899.22), dbSNP rs768005323, ClinGen allele CA069634.

ClinVar aggregate classification (germline): Benign/Likely benign. Review status: criteria provided, multiple submitters, no conflicts (2 of 4 stars). 7 submissions from 7 submitters: Benign (1); Likely benign (6). Last evaluated 2026-01-12.

Conditions:
Lynch syndrome 5 (LYNCH5). Also called: Hereditary non-polyposis colorectal cancer, type 5; Colorectal cancer, hereditary nonpolyposis, type 5. Identifiers: Orphanet 144, MedGen C1833477, MONDO:0013710, OMIM 614350. Disease mechanism: loss of function.
Hereditary nonpolyposis colorectal neoplasms. Identifiers: MedGen C0009405, MeSH D003123.
Hereditary cancer-predisposing syndrome. Also called: Hereditary Cancer Syndrome; Hereditary neoplastic syndrome; Neoplastic Syndromes, Hereditary; Tumor predisposition. Identifiers: Orphanet 140162, MedGen C0027672, MeSH D009386, MONDO:0015356.

Allele frequency attached by ClinVar (database versions not stated): ExAC 0.00001.

Submissions (7):

Labcorp Genetics (formerly Invitae), Labcorp
Classification: Likely benign for Hereditary nonpolyposis colorectal neoplasms. Last evaluated: 2026-01-12. Review status: criteria provided, single submitter. Criteria: Invitae Variant Classification Sherloc (09022015). Collection method: clinical testing. Allele origin: germline.

Myriad Genetics, Inc.
Classification: Benign for Lynch syndrome 5. Last evaluated: 2025-01-02. Review status: criteria provided, single submitter. Criteria: Myriad Autosomal Dominant, Autosomal Recessive and X-Linked Classification Criteria (2023). Collection method: clinical testing. Allele origin: unknown.
Comment: This variant is considered benign. This variant is a silent/synonymous amino acid change and it is not expected to impact splicing.

Women's Health and Genetics/Laboratory Corporation of America, LabCorp
Classification: Likely benign. Last evaluated: 2024-01-29. Review status: criteria provided, single submitter. Criteria: LabCorp Variant Classification Summary - May 2015. Collection method: clinical testing. Allele origin: germline.

GeneDx
Classification: Likely benign. Last evaluated: 2021-02-07. Review status: criteria provided, single submitter. Criteria: GeneDx Variant Classification Process June 2021. Collection method: clinical testing. Allele origin: germline. Affected: yes.

Sema4
Classification: Likely benign for Hereditary cancer-predisposing syndrome. Last evaluated: 2020-09-08. Review status: criteria provided, single submitter. Criteria: Sema4 Curation Guidelines. Collection method: curation. Allele origin: germline.

Color Diagnostics, LLC DBA Color Health
Classification: Likely benign for Hereditary cancer-predisposing syndrome. Last evaluated: 2018-11-30. Review status: criteria provided, single submitter. Criteria: ACMG Guidelines, 2015. Collection method: clinical testing. Allele origin: germline.

Ambry Genetics
Classification: Likely benign for Hereditary cancer-predisposing syndrome. Last evaluated: 2016-10-04. Review status: criteria provided, single submitter. Criteria: Ambry Variant Classification Scheme 2023. Collection method: clinical testing. Allele origin: germline.